The following is an entry in ClinVar:

NM_004614.5(TK2):c.329A>G (p.Gln110Arg)

Gene: TK2 (thymidine kinase 2; minus strand). Cytogenetic location: 16q21.
Variant type: single nucleotide variant.
Coding change: c.329A>G on transcript NM_004614.5 (MANE Select); coding-DNA position 329, A replaced by G.
Protein change: p.Gln110Arg; replaces glutamine 110 with arginine.
Molecular consequence: missense variant. On other transcripts: non-coding transcript variant (1).
Genome position (GRCh38, 1-based): chr16:66,531,426, T>C on the plus strand (A>G on the coding strand, the complement: TK2 is on the minus strand). VCF-style: chr16-66531426-T-C. GRCh37 (hg19) VCF-style: chr16-66565329-T-C.
Other names: c.275A>G, p.Gln92Arg (NM_001172645.2); c.182A>G, p.Gln61Arg (NM_001271934.2); c.236A>G, p.Gln79Arg (NM_001271935.1, NM_001172643.1); c.38A>G, p.Gln13Arg (NM_001272050.2); c.254A>G, p.Gln85Arg (NM_001172644.2); c.329A>G (NM_004614.4); short protein forms Q92R, Q13R, Q61R, Q85R, Q110R, Q79R.
Identifiers: ClinVar variation 1482142 (VCV001482142.5), dbSNP rs1422517579, ClinGen allele CA396190614.

ClinVar aggregate classification (germline): Uncertain significance. Review status: criteria provided, multiple submitters, no conflicts (2 of 4 stars). 2 submissions from 2 submitters: Uncertain significance (2). Last evaluated 2025-03-22.

Conditions:
Inborn genetic diseases. Identifiers: MedGen C0950123, MeSH D030342.
Mitochondrial DNA depletion syndrome, myopathic form (MTDPS2). Also called: MITOCHONDRIAL DNA DEPLETION MYOPATHY, TK2-RELATED; TK2-Related Mitochondrial DNA Maintenance Defect, Myopathic Form; MITOCHONDRIAL DNA DEPLETION SYNDROME 2 (MYOPATHIC TYPE). Identifiers: Orphanet 254875, MedGen C3149750, MONDO:0012301, OMIM 609560.

Allele frequency attached by ClinVar (database versions not stated): gnomAD exomes below 0.00001; TOPMed below 0.00001; gnomAD 0.00001.

Submissions (2):

Ambry Genetics
Classification: Uncertain significance for Inborn genetic diseases. Last evaluated: 2025-03-22. Review status: criteria provided, single submitter. Criteria: Ambry Variant Classification Scheme 2023. Collection method: clinical testing. Allele origin: germline.

Labcorp Genetics (formerly Invitae), Labcorp
Classification: Uncertain significance. Last evaluated: 2022-06-24. Review status: criteria provided, single submitter. Criteria: Invitae Variant Classification Sherloc (09022015). Collection method: clinical testing. Allele origin: germline.
Comment: This sequence change replaces glutamine, which is neutral and polar, with arginine, which is basic and polar, at codon 110 of the TK2 protein (p.Gln110Arg). This variant is not present in population databases (gnomAD no frequency). This variant has not been reported in the literature in individuals affected with TK2-related conditions. Advanced modeling of protein sequence and biophysical properties (such as structural, functional, and spatial information, amino acid conservation, physicochemical variation, residue mobility, and thermodynamic stability) performed at Invitae indicates that this missense variant is expected to disrupt TK2 protein function. In summary, the available evidence is currently insufficient to determine the role of this variant in disease. Therefore, it has been classified as a Variant of Uncertain Significance.